The following is an entry in ClinVar:

NM_001378454.1(ALMS1):c.3463C>T (p.His1155Tyr)

Gene: ALMS1 (ALMS1 centrosome and basal body associated protein; plus strand). Cytogenetic location: 2p13.1.
Variant type: single nucleotide variant.
Coding change: c.3463C>T on transcript NM_001378454.1 (MANE Select); coding-DNA position 3463, C replaced by T.
Protein change: p.His1155Tyr; replaces histidine 1155 with tyrosine.
Molecular consequence: missense variant.
Genome position (GRCh38, 1-based): chr2:73,449,990, C>T. VCF-style: chr2-73449990-C-T. GRCh37 (hg19) VCF-style: chr2-73677117-C-T.
Other names: c.3466C>T, p.His1156Tyr (NM_015120.4); short protein forms H1155Y, H1156Y.
Identifiers: ClinVar variation 1333534 (VCV001333534.1), dbSNP rs2103779035, ClinGen allele CA347275706.
Genomic context (GRCh38, chr2:73,449,990, plus strand): 5'-GGCACACCAACTGTAACCTCAACTTCCTACTCACAACATAGAGAAAAGCCCAGCATTTTC[C>T]ACCAGCAGGCCTTGCCAGGTACTCATATACCTGAAGAGGCTCAGAAAGTTTCAGCTGTTA-3'
Protein context (NP_001365383.1, residues 1145-1165): SQHREKPSIF[His1155Tyr]QQALPGTHIP

ClinVar aggregate classification (germline): Likely pathogenic (1 of 4 stars; one submission).

Conditions:
Alstrom syndrome (ALMS). Identifiers: Orphanet 64, MedGen C0268425, MONDO:0008763, OMIM 203800.

Allele frequency attached by ClinVar (database versions not stated): gnomAD exomes below 0.00001.

Submission:

3billion
Classification: Likely pathogenic for Alstrom syndrome. Last evaluated: 2022-01-03. Review status: criteria provided, single submitter. Criteria: ACMG Guidelines, 2015. Collection method: clinical testing. Allele origin: germline. Affected: yes. Observed: 1 heterozygote.
Comment: Stop-gained (nonsense): predicted to result in a loss or disruption of normal protein function through nonsense-mediated decay (NMD) or protein truncation. Multiple pathogenic variants are reported downstream of the variant (PVS1_VS). It is not observed in the gnomAD v2.1.1 dataset (PM2_M). Therefore, this variant is classified as likely pathogenic according to the recommendation of ACMG/AMP guideline.